The following is an entry in ClinVar:

ClinVar aggregate classification (germline): Uncertain significance (1 of 4 stars; one submission).

gnomAD v4.1: 1 of 1,613,852 alleles (0.000062%); highest among the groups gnomAD compares: Non-Finnish European, 0.000085%; no homozygotes.

Submission:

Labcorp Genetics (formerly Invitae), Labcorp
Classification: Uncertain significance. Last evaluated: 2025-09-30. Review status: criteria provided, single submitter. Criteria: Invitae Variant Classification Sherloc (09022015). Collection method: clinical testing. Allele origin: germline.
Comment: This sequence change replaces glycine, which is neutral and non-polar, with serine, which is neutral and polar, at codon 562 of the ITGAM protein (p.Gly562Ser). This variant is present in population databases (rs756197045, gnomAD 0.0009%). This variant has not been reported in the literature in individuals affected with ITGAM-related conditions. An algorithm developed to predict the effect of missense changes on protein structure and function outputs the following: PolyPhen-2: "Benign". The serine amino acid residue is found in multiple mammalian species, which suggests that this missense change does not adversely affect protein function. In summary, the available evidence is currently insufficient to determine the role of this variant in disease. Therefore, it has been classified as a Variant of Uncertain Significance.

NM_000632.4(ITGAM):c.1684G>A (p.Gly562Ser)

Gene: ITGAM (integrin subunit alpha M; plus strand). Cytogenetic location: 16p11.2.
Variant type: single nucleotide variant.
Coding change: c.1684G>A on transcript NM_000632.4 (MANE Select); coding-DNA position 1684, G replaced by A.
Protein change: p.Gly562Ser; replaces glycine 562 with serine.
Molecular consequence: missense variant.
Genome position (GRCh38, 1-based): chr16:31,297,931, G>A. VCF-style: chr16-31297931-G-A. GRCh37 (hg19) VCF-style: chr16-31309252-G-A.
Other names: c.1687G>A, p.Gly563Ser (NM_001145808.2); short protein forms G562S, G563S.
Identifiers: ClinVar variation 4716127 (VCV004716127.1).